The following is an entry in ClinVar:

NM_001365951.3(KIF1B):c.2387A>T (p.Asp796Val)

Gene: KIF1B (kinesin family member 1B; plus strand). Cytogenetic location: 1p36.22.
Variant type: single nucleotide variant.
Coding change: c.2387A>T on transcript NM_001365951.3 (MANE Select); coding-DNA position 2387, A replaced by T.
Protein change: p.Asp796Val; replaces aspartic acid 796 with valine.
Molecular consequence: missense variant.
Genome position (GRCh38, 1-based): chr1:10,323,912, A>T. VCF-style: chr1-10323912-A-T. GRCh37 (hg19) VCF-style: chr1-10383970-A-T.
Other names: c.2387A>T, p.Asp796Val (NM_001365952.1); c.2249A>T, p.Asp750Val (NM_015074.3); short protein forms D750V, D796V.
Identifiers: ClinVar variation 1788379 (VCV001788379.3), dbSNP rs2521622206, ClinGen allele CA338334391.

ClinVar aggregate classification (germline): Uncertain significance (1 of 4 stars; one submission).

Allele frequency attached by ClinVar (database versions not stated): gnomAD exomes below 0.00001.
gnomAD v4.1: 1 of 1,614,112 alleles (0.000062%); highest among the groups gnomAD compares: Non-Finnish European, 0.000085%; no homozygotes.

Submission:

Ambry Genetics
Classification: Uncertain significance. Last evaluated: 2024-07-11. Review status: criteria provided, single submitter. Criteria: Ambry Variant Classification Scheme 2023. Collection method: clinical testing. Allele origin: germline.
Comment: The p.D750V variant (also known as c.2249A>T), located in coding exon 22 of the KIF1B gene, results from an A to T substitution at nucleotide position 2249. The aspartic acid at codon 750 is replaced by valine, an amino acid with highly dissimilar properties. This amino acid position is highly conserved in available vertebrate species. In addition, this alteration is predicted to be deleterious by in silico analysis. Since supporting evidence is limited at this time, the clinical significance of this alteration remains unclear.